The following is an entry in ClinVar:

NM_022041.4(GAN):c.681C>G (p.Asp227Glu)

Gene: GAN (gigaxonin; plus strand). Cytogenetic location: 16q23.2.
Variant type: single nucleotide variant.
Coding change: c.681C>G on transcript NM_022041.4 (MANE Select); coding-DNA position 681, C replaced by G.
Protein change: p.Asp227Glu; replaces aspartic acid 227 with glutamic acid.
Molecular consequence: missense variant.
Genome position (GRCh38, 1-based): chr16:81,356,832, C>G. VCF-style: chr16-81356832-C-G. GRCh37 (hg19) VCF-style: chr16-81390437-C-G.
Other names: c.42C>G, p.Asp14Glu (NM_001377486.1); short protein forms D14E, D227E.
Identifiers: ClinVar variation 1335222 (VCV001335222.36), dbSNP rs1910501900, ClinGen allele CA396870822.

ClinVar aggregate classification (germline): Uncertain significance. Review status: criteria provided, multiple submitters, no conflicts (2 of 4 stars). 2 submissions from 2 submitters: Uncertain significance (2). Last evaluated 2023-12-14.

Conditions:
Giant axonal neuropathy 1 (GAN1). Also called: GAN-Related Neurodegeneration; GIANT AXONAL NEUROPATHY 1, AUTOSOMAL RECESSIVE. Identifiers: Orphanet 643, MedGen C1850386, MONDO:0009749, OMIM 256850.

Allele frequency attached by ClinVar (database versions not stated): gnomAD exomes below 0.00001.
gnomAD v4.1: 1 of 1,613,866 alleles (0.000062%); highest among the groups gnomAD compares: Non-Finnish European, 0.000085%; no homozygotes.

Submissions (2):

ARUP Laboratories, Molecular Genetics and Genomics, ARUP Laboratories
Classification: Uncertain significance for Giant axonal neuropathy 1. Last evaluated: 2023-12-14. Review status: criteria provided, single submitter. Criteria: ARUP Molecular Germline Variant Investigation Process 2024. Collection method: clinical testing. Allele origin: germline.
Comment: The GAN c.681C>G; p.Asp227Glu variant (rs1910501900), to our knowledge, is not reported in the medical literature but is reported in ClinVar (Variation ID: 1335222). This variant is absent from the Genome Aggregation Database (v2.1.1), indicating it is not a common polymorphism. Computational analyses predict that this variant is neutral (REVEL: 0.084). However, given the lack of clinical and functional data, the significance of this variant is uncertain at this time.

CeGaT Center for Human Genetics Tuebingen
Classification: Uncertain significance. Last evaluated: 2022-03-01. Review status: criteria provided, single submitter. Criteria: CeGaT Center For Human Genetics Tuebingen Variant Classification Criteria Version 2. Collection method: clinical testing. Allele origin: germline. Affected: yes. Observed: 2 variant alleles.
Comment: GAN: PM2, PP3